The following is an entry in ClinVar:

ClinVar aggregate classification (germline): Uncertain significance (1 of 4 stars; one submission).

Conditions:
Cardiovascular phenotype. Identifiers: MedGen CN230736.

Allele frequency attached by ClinVar (database versions not stated): ExAC 0.00001; gnomAD 0.00002; TOPMed 0.00003.
gnomAD v4.1: 3 of 1,566,258 alleles (0.00019%); highest among the groups gnomAD compares: African/African-American, 0.0041%; no homozygotes.

Submission:

Ambry Genetics
Classification: Uncertain significance for Cardiovascular phenotype. Last evaluated: 2022-04-29. Review status: criteria provided, single submitter. Criteria: Ambry Variant Classification Scheme 2023. Collection method: clinical testing. Allele origin: germline.
Comment: The p.L14V variant (also known as c.40C>G), located in coding exon 1 of the TNXB gene, results from a C to G substitution at nucleotide position 40. The leucine at codon 14 is replaced by valine, an amino acid with highly similar properties. This amino acid position is conserved. In addition, this alteration is predicted to be tolerated by in silico analysis. Since supporting evidence is limited at this time, the clinical significance of this alteration remains unclear.

NM_001365276.2(TNXB):c.40C>G (p.Leu14Val)

Gene: TNXB (tenascin XB; minus strand). Cytogenetic location: 6p21.33.
Variant type: single nucleotide variant.
Coding change: c.40C>G on transcript NM_001365276.2 (MANE Select); coding-DNA position 40, C replaced by G.
Protein change: p.Leu14Val; replaces leucine 14 with valine.
Molecular consequence: missense variant.
Genome position (GRCh38, 1-based): chr6:32,098,159, G>C on the plus strand (C>G on the coding strand, the complement: TNXB is on the minus strand). VCF-style: chr6-32098159-G-C. GRCh37 (hg19) VCF-style: chr6-32065936-G-C.
Other names: c.40C>G, p.Leu14Val (NM_019105.8); short protein forms L14V.
Identifiers: ClinVar variation 1737828 (VCV001737828.2), dbSNP rs755462290, ClinGen allele CA3735922.